The following is an entry in ClinVar:

ClinVar aggregate classification (germline): Benign (1 of 4 stars; one submission).

Allele frequency attached by ClinVar (database versions not stated): gnomAD 0.12321 and 0.11226; TOPMed 0.11976; 1000 Genomes Project 30x 0.20815; 1000 Genomes Project 0.21486.

Submission:

GeneDx
Classification: Benign. Last evaluated: 2018-06-19. Review status: criteria provided, single submitter. Criteria: GeneDx Variant Classification (06012015). Collection method: clinical testing. Allele origin: germline. Affected: yes.
Comment: This variant is considered likely benign or benign based on one or more of the following criteria: it is a conservative change, it occurs at a poorly conserved position in the protein, it is predicted to be benign by multiple in silico algorithms, and/or has population frequency not consistent with disease.

NM_001018005.1(TPM1):c.-420C>G

Gene: TPM1 (tropomyosin 1; plus strand). Cytogenetic location: 15q22.2.
Variant type: single nucleotide variant.
Coding change: c.-420C>G on transcript NM_001018005.1; 420 bases upstream of the start codon, C replaced by G.
Genome position (GRCh38, 1-based): chr15:63,042,410, C>G. VCF-style: chr15-63042410-C-G. GRCh37 (hg19) VCF-style: chr15-63334609-C-G.
Identifiers: ClinVar variation 668728 (VCV000668728.3), dbSNP rs3809568, ClinGen allele CA14103800.
Genomic context (GRCh38, chr15:63,042,410, plus strand): 5'-CAGCTCAGGGCGGGCTCGGTTGGGGACCCTAATGGCTGGGTGCCGGCCCTGGGAGAAGGG[C>G]ACGCGGAGGGCGGAGGGTTGCGCCTCGGCCCCGGCTCGGCCCCAACGCCCTCTCCCTGGC-3'